The following is an entry in ClinVar:

NM_000481.4(AMT):c.658G>A (p.Val220Met)

Gene: AMT (aminomethyltransferase; minus strand). Cytogenetic location: 3p21.31.
Variant type: single nucleotide variant.
Coding change: c.658G>A on transcript NM_000481.4 (MANE Select); coding-DNA position 658, G replaced by A.
Protein change: p.Val220Met; replaces valine 220 with methionine.
Molecular consequence: missense variant. On other transcripts: non-coding transcript variant (1).
Genome position (GRCh38, 1-based): chr3:49,419,298, C>T on the plus strand (G>A on the coding strand, the complement: AMT is on the minus strand). VCF-style: chr3-49419298-C-T. GRCh37 (hg19) VCF-style: chr3-49456731-C-T.
Other names: c.526G>A, p.Val176Met (NM_001164710.2); c.490G>A, p.Val164Met (NM_001164711.2); c.658G>A, p.Val220Met (NM_001164712.2); c.658G>A (NM_000481.3); short protein forms V164M, V176M, V220M.
Identifiers: ClinVar variation 1482554 (VCV001482554.7), dbSNP rs199638653, ClinGen allele CA2398286.

ClinVar aggregate classification (germline): Uncertain significance. Review status: criteria provided, multiple submitters, no conflicts (2 of 4 stars). 2 submissions from 2 submitters: Uncertain significance (2). Last evaluated 2023-07-31.

Conditions:
Glycine encephalopathy. Also called: Non-ketotic hyperglycinemia; Nonketotic hyperglycinemia. Identifiers: Orphanet 407, MedGen C0751748, MONDO:0011612, HP:0008288.
Inborn genetic diseases. Identifiers: MedGen C0950123, MeSH D030342.

Allele frequency attached by ClinVar (database versions not stated): ExAC 0.00001; gnomAD 0.00002 and 0.00003; gnomAD exomes 0.00002 and 0.00004; TOPMed 0.00004; 1000 Genomes Project 30x 0.00016; 1000 Genomes Project 0.00020.
gnomAD v4.1: 69 of 1,614,174 alleles (0.0043%); highest among the groups gnomAD compares: East Asian, 0.0067%; no homozygotes.

Submissions (2):

Ambry Genetics
Classification: Uncertain significance for Inborn genetic diseases. Last evaluated: 2023-07-31. Review status: criteria provided, single submitter. Criteria: Ambry Variant Classification Scheme 2023. Collection method: clinical testing. Allele origin: germline.

Labcorp Genetics (formerly Invitae), Labcorp
Classification: Uncertain significance for Glycine encephalopathy. Last evaluated: 2022-03-18. Review status: criteria provided, single submitter. Criteria: Invitae Variant Classification Sherloc (09022015). Collection method: clinical testing. Allele origin: germline.
Comment: This sequence change replaces valine, which is neutral and non-polar, with methionine, which is neutral and non-polar, at codon 220 of the AMT protein (p.Val220Met). This variant is present in population databases (rs199638653, gnomAD 0.02%). This variant has not been reported in the literature in individuals affected with AMT-related conditions. Algorithms developed to predict the effect of missense changes on protein structure and function are either unavailable or do not agree on the potential impact of this missense change (SIFT: "Deleterious"; PolyPhen-2: "Probably Damaging"; Align-GVGD: "Class C0"). In summary, the available evidence is currently insufficient to determine the role of this variant in disease. Therefore, it has been classified as a Variant of Uncertain Significance.